The following is an entry in ClinVar:

ClinVar aggregate classification (germline): Pathogenic. Review status: criteria provided, multiple submitters, no conflicts (2 of 4 stars). 2 submissions from 2 submitters: Pathogenic (2). Last evaluated 2026-01-09.

Conditions:
Cerebellar dysfunction with variable cognitive and behavioral abnormalities (CECBA). Also called: Nonprogressive cerebellar atxia with intellectual disability. Identifiers: Orphanet 314647, MedGen C3553661, MONDO:0013886, OMIM 614756.

Submissions (2):

GeneDx
Classification: Pathogenic. Last evaluated: 2026-01-09. Review status: criteria provided, single submitter. Criteria: GeneDx Variant Classification Process June 2021. Collection method: clinical testing. Allele origin: germline. Affected: yes.
Comment: Frameshift variant predicted to result in protein truncation or nonsense mediated decay in a gene for which loss of function is a known mechanism of disease; Not observed at significant frequency in large population cohorts (gnomAD); This variant is associated with the following publications: (PMID: 39039281)

Institute of Human Genetics Munich, TUM University Hospital
Classification: Pathogenic for Cerebellar dysfunction with variable cognitive and behavioral abnormalities. Last evaluated: 2020-08-25. Review status: criteria provided, single submitter. Criteria: Classification criteria August 2017. Collection method: clinical testing. Allele origin: maternal. Inheritance: Autosomal dominant inheritance. Affected: yes. Observed: 1 variant allele.

NM_015215.4(CAMTA1):c.2416_2419del (p.Ser806fs)

Gene: CAMTA1 (calmodulin binding transcription activator 1; plus strand). Cytogenetic location: 1p36.23.
Variant type: Deletion.
Coding change: c.2416_2419del on transcript NM_015215.4 (MANE Select); coding-DNA positions 2416 to 2419, 4 bases deleted (TCAG; older notation c.2416_2419delTCAG).
Protein change: p.Ser806fs; shifts the reading frame from serine 806.
Molecular consequence: frameshift variant.
Genome position (GRCh38, 1-based): chr1:7,664,963-7,664,966, TCAG deleted; deleting any 4 consecutive bases within chr1:7,664,960-7,664,966 gives the same sequence; the c. name uses the placement nearest the transcript's 3' end. VCF-style (leftmost placement, unchanged base first): chr1-7664959-ACAGT-A. GRCh37 (hg19) VCF-style: chr1-7725019-ACAGT-A.
Other names: c.2416_2419del (NM_015215.3); c.2326_2329del, p.Ser776fs (NM_001349608.2, NM_001349612.2); c.2416_2419del, p.Ser806fs (NM_001349609.2, NM_001349610.2); c.2416_2419delTCAG, p.Ser806Argfs (NM_001410737.1); c.2344_2347delTCAG, p.Ser782Argfs (NM_001410738.1); short protein forms S776fs, S806fs.
Identifiers: ClinVar variation 1804080 (VCV001804080.3), dbSNP rs2523750276, ClinGen allele CA2580062555.
Genomic context (GRCh38, chr1:7,664,959, plus strand): 5'-GGGGGGCAGCAGCACCATCTATGGGCACCAGCTGGTGTCGGGGGACAGCACGGCGCTCTC[ACAGT>A]CAGAGGACGGGGCGCGGGCCCCCTTCACCCAGGCAGAGATGTGCCTCCCCTGCTGTAGCC-3'